The following is an entry in ClinVar:

NM_014444.5(TUBGCP4):c.330+6A>G

Gene: TUBGCP4 (tubulin gamma complex component 4; plus strand). Cytogenetic location: 15q15.3.
Variant type: single nucleotide variant.
Coding change: c.330+6A>G on transcript NM_014444.5 (MANE Select); 6 bases into the intron after coding-DNA position 330, A replaced by G.
Molecular consequence: intron variant.
Genome position (GRCh38, 1-based): chr15:43,376,631, A>G. VCF-style: chr15-43376631-A-G. GRCh37 (hg19) VCF-style: chr15-43668829-A-G.
Other names: c.330+6A>G (NM_001286414.3).
Identifiers: ClinVar variation 1017264 (VCV001017264.9), dbSNP rs2044209829, ClinGen allele CA2173156617.

ClinVar aggregate classification (germline): Uncertain significance (1 of 4 stars; one submission).

Allele frequency attached by ClinVar (database versions not stated): gnomAD exomes below 0.00001.
gnomAD v4.1: 1 of 1,614,148 alleles (0.000062%); no homozygotes.

Submission:

Labcorp Genetics (formerly Invitae), Labcorp
Classification: Uncertain significance. Last evaluated: 2021-03-05. Review status: criteria provided, single submitter. Criteria: Invitae Variant Classification Sherloc (09022015). Collection method: clinical testing. Allele origin: germline.
Comment: In summary, the available evidence is currently insufficient to determine the role of this variant in disease. Therefore, it has been classified as a Variant of Uncertain Significance. Nucleotide substitutions within the consensus splice site are a relatively common cause of aberrant splicing (PMID: 17576681, 9536098). Algorithms developed to predict the effect of sequence changes on RNA splicing suggest that this variant is not likely to affect RNA splicing, but this prediction has not been confirmed by published transcriptional studies. This variant has not been reported in the literature in individuals with TUBGCP4-related conditions. This variant is not present in population databases (ExAC no frequency). This sequence change falls in intron 3 of the TUBGCP4 gene. It does not directly change the encoded amino acid sequence of the TUBGCP4 protein, but it affects a nucleotide within the consensus splice site of the intron.

Literature cited by the submitters: PubMed 17576681; PubMed 9536098.